The following is an entry in ClinVar:

ClinVar aggregate classification (germline): Uncertain significance (1 of 4 stars; one submission).

Conditions:
Hereditary cancer-predisposing syndrome. Also called: Neoplastic Syndromes, Hereditary; Tumor predisposition; Hereditary neoplastic syndrome; Hereditary Cancer Syndrome. Identifiers: Orphanet 140162, MedGen C0027672, MeSH D009386, MONDO:0015356.
Cardiovascular phenotype. Identifiers: MedGen CN230736.

Submission:

Ambry Genetics
Classification: Uncertain significance for Cardiovascular phenotype; Hereditary cancer-predisposing syndrome. Last evaluated: 2023-07-31. Review status: criteria provided, single submitter. Criteria: Ambry Variant Classification Scheme 2023. Collection method: clinical testing. Allele origin: germline.
Comment: The c.8050+4A>G intronic variant results from an A to G substitution 4 nucleotides after coding exon 54 in the NF1 gene. This nucleotide position is highly conserved in available vertebrate species. In silico splice site analysis predicts that this alteration will weaken the native splice donor site. Since supporting evidence is limited at this time, the clinical significance of this alteration remains unclear.

NM_001042492.3(NF1):c.8113+4A>G

Gene: NF1 (neurofibromin 1; plus strand). Cytogenetic location: 17q11.2.
Variant type: single nucleotide variant.
Coding change: c.8113+4A>G on transcript NM_001042492.3 (MANE Select); 4 bases into the intron after coding-DNA position 8113, A replaced by G.
Molecular consequence: intron variant.
Genome position (GRCh38, 1-based): chr17:31,358,626, A>G. VCF-style: chr17-31358626-A-G. GRCh37 (hg19) VCF-style: chr17-29685644-A-G.
Other names: c.8050+4A>G (NM_000267.4).
Identifiers: ClinVar variation 3237973 (VCV003237973.1), dbSNP rs2151585176.